The following is an entry in ClinVar:

ClinVar aggregate classification (germline): Uncertain significance. Review status: criteria provided, multiple submitters, no conflicts (2 of 4 stars). 3 submissions from 3 submitters: Uncertain significance (3). Last evaluated 2025-04-19.

Conditions:
Inborn genetic diseases. Identifiers: MedGen C0950123, MeSH D030342.
Arthrogryposis, renal dysfunction, and cholestasis 2 (ARCS2). Identifiers: Orphanet 2697, MedGen C3150672, MONDO:0013255, OMIM 613404.

Submissions (3):

Ambry Genetics
Classification: Uncertain significance for Inborn genetic diseases. Last evaluated: 2025-04-19. Review status: criteria provided, single submitter. Criteria: Ambry Variant Classification Scheme 2023. Collection method: clinical testing. Allele origin: germline.

GeneDx
Classification: Uncertain significance. Last evaluated: 2024-10-02. Review status: criteria provided, single submitter. Criteria: GeneDx Variant Classification Process June 2021. Collection method: clinical testing. Allele origin: germline. Affected: yes.
Comment: Not observed at significant frequency in large population cohorts (gnomAD); In silico analysis indicates that this missense variant does not alter protein structure/function; Has not been previously published as pathogenic or benign to our knowledge

Fulgent Genetics
Classification: Uncertain significance for Arthrogryposis, renal dysfunction, and cholestasis 2. Last evaluated: 2024-05-21. Review status: criteria provided, single submitter. Criteria: ACMG Guidelines, 2015. Collection method: clinical testing. Allele origin: germline.

NM_001193315.2(VIPAS39):c.146A>G (p.Asp49Gly)

Gene: VIPAS39 (VPS33B interacting protein, apical-basolateral polarity regulator, spe-39 homolog; minus strand). Cytogenetic location: 14q24.3.
Variant type: single nucleotide variant.
Coding change: c.146A>G on transcript NM_001193315.2 (MANE Select); coding-DNA position 146, A replaced by G.
Protein change: p.Asp49Gly; replaces aspartic acid 49 with glycine.
Molecular consequence: missense variant. On other transcripts: non-coding transcript variant (1).
Genome position (GRCh38, 1-based): chr14:77,453,349, T>C on the plus strand (A>G on the coding strand, the complement: VIPAS39 is on the minus strand). VCF-style: chr14-77453349-T-C. GRCh37 (hg19) VCF-style: chr14-77919692-T-C.
Other names: c.146A>G (NM_022067.3, NM_001193314.1); c.146A>G, p.Asp49Gly (NM_001193314.2, NM_001193316.2, NM_001193317.2 and 15 more transcripts); short protein forms D49G.
Identifiers: ClinVar variation 3576830 (VCV003576830.3).
Genomic context (GRCh38, chr14:77,453,349, plus strand): 5'-TTCTACTTACTTCCCACAGGTTCCCCACTCCAGCTGACTCGCTCCAGGTCATCATCGTCA[T>C]CATCATCCACGAAGTCTCGGAGGCTGTTCACCGCCCGCTTGGACTCCTTTAACTGCAGAG-3'
Protein context (NP_001180244.1, residues 39-59): VNSLRDFVDD[Asp49Gly]DDDDLERVSW